The following is an entry in ClinVar:

NM_000093.5(COL5A1):c.5159G>A (p.Gly1720Asp)

Genes: COL5A1 (collagen type V alpha 1 chain; plus strand), LOC101448202 (uncharacterized LOC101448202; minus strand). Cytogenetic location: 9q34.3.
Variant type: single nucleotide variant.
Coding change: c.5159G>A on transcript NM_000093.5 (MANE Select); coding-DNA position 5159, G replaced by A.
Protein change: p.Gly1720Asp; replaces glycine 1720 with aspartic acid.
Molecular consequence: missense variant.
Genome position (GRCh38, 1-based): chr9:134,834,993, G>A. VCF-style: chr9-134834993-G-A. GRCh37 (hg19) VCF-style: chr9-137726839-G-A.
Other names: c.5159G>A, p.Gly1720Asp (NM_001278074.1); short protein forms G1720D.
Identifiers: ClinVar variation 1421072 (VCV001421072.8), dbSNP rs1243519195, ClinGen allele CA375460290.

ClinVar aggregate classification (germline): Uncertain significance (1 of 4 stars; one submission).

Conditions:
Ehlers-Danlos syndrome, classic type, 1 (EDSCL1). Also called: EHLERS-DANLOS SYNDROME, GRAVIS TYPE; EHLERS-DANLOS SYNDROME, SEVERE CLASSIC TYPE; Ehlers-Danlos syndrome, type 1; Ehlers-Danlos Syndrome, Classic Type, COL5A1-Related; EDS I. Identifiers: MedGen C0268335, MONDO:0019567, OMIM 130000.

Allele frequency attached by ClinVar (database versions not stated): TOPMed below 0.00001; gnomAD exomes 0.00001; gnomAD 0.00001.
gnomAD v4.1: 5 of 1,613,518 alleles (0.00031%); highest among the groups gnomAD compares: African/African-American, 0.0013%; no homozygotes.

Submission:

Labcorp Genetics (formerly Invitae), Labcorp
Classification: Uncertain significance for Ehlers-Danlos syndrome, classic type, 1. Last evaluated: 2025-05-22. Review status: criteria provided, single submitter. Criteria: Invitae Variant Classification Sherloc (09022015). Collection method: clinical testing. Allele origin: germline.
Comment: This sequence change replaces glycine, which is neutral and non-polar, with aspartic acid, which is acidic and polar, at codon 1720 of the COL5A1 protein (p.Gly1720Asp). This variant is present in population databases (no rsID available, gnomAD 0.002%). This variant has not been reported in the literature in individuals affected with COL5A1-related conditions. ClinVar contains an entry for this variant (Variation ID: 1421072). Invitae Evidence Modeling of protein sequence and biophysical properties (such as structural, functional, and spatial information, amino acid conservation, physicochemical variation, residue mobility, and thermodynamic stability) has been performed for this missense variant. However, the output from this modeling did not meet the statistical confidence thresholds required to predict the impact of this variant on COL5A1 protein function. In summary, the available evidence is currently insufficient to determine the role of this variant in disease. Therefore, it has been classified as a Variant of Uncertain Significance.